The following is an entry in ClinVar:

ClinVar aggregate classification (germline): Benign/Likely benign. Review status: criteria provided, multiple submitters, no conflicts (2 of 4 stars). 3 submissions from 3 submitters: Benign (1); Likely benign (1). 1 of the submissions does not count toward it. Last evaluated 2026-01-07.

Conditions:
IREB2-related disorder. Also called: IREB2-related condition.

Submissions (3):

Labcorp Genetics (formerly Invitae), Labcorp
Classification: Benign. Last evaluated: 2026-01-07. Review status: criteria provided, single submitter. Criteria: Invitae Variant Classification Sherloc (09022015). Collection method: clinical testing. Allele origin: germline.

Blueprint Genetics
Classification: Likely benign. Last evaluated: 2024-11-26. Review status: criteria provided, single submitter. Criteria: ACMG Guidelines, 2015. Collection method: clinical testing. Allele origin: germline.

PreventionGenetics, part of Exact Sciences
Classification: Likely benign for IREB2-related condition. Last evaluated: 2019-10-30. Review status: no assertion criteria provided. Collection method: clinical testing. Allele origin: germline. Not counted in ClinVar's aggregate classification.
Comment: This variant is classified as likely benign based on ACMG/AMP sequence variant interpretation guidelines (Richards et al. 2015 PMID: 25741868, with internal and published modifications).

NM_004136.4(IREB2):c.20-4dup

Gene: IREB2 (iron responsive element binding protein 2; plus strand). Cytogenetic location: 15q25.1.
Variant type: Duplication.
Coding change: c.20-4dup on transcript NM_004136.4 (MANE Select); 4 bases into the intron before coding-DNA position 20, one base duplicated (T; older notation c.20-4dupT).
Molecular consequence: intron variant.
Genome position (GRCh38, 1-based): chr15:78,439,791, T duplicated; the last of 9 consecutive T bases (chr15:78,439,783-78,439,791); duplicating any one gives the same sequence. VCF-style (leftmost placement, unchanged base first): chr15-78439782-A-AT. GRCh37 (hg19) VCF-style: chr15-78732124-A-AT.
Other names: c.-152-4dup (NM_001354994.2, NM_001320942.2); c.-661-4dup (NM_001320941.2); c.20-4dup (NM_001320943.2); c.20-4dupT (NM_004136.3).
Identifiers: ClinVar variation 3021263 (VCV003021263.6), dbSNP rs533778908, ClinGen allele CA7682610.